The following is an entry in ClinVar:

NM_021971.4(GMPPB):c.863G>C (p.Arg288Pro)

Gene: GMPPB (GDP-mannose pyrophosphorylase B; minus strand). Cytogenetic location: 3p21.31.
Variant type: single nucleotide variant.
Coding change: c.863G>C on transcript NM_021971.4 (MANE Select); coding-DNA position 863, G replaced by C.
Protein change: p.Arg288Pro; replaces arginine 288 with proline.
Molecular consequence: missense variant.
Genome position (GRCh38, 1-based): chr3:49,722,053, C>G on the plus strand (G>C on the coding strand, the complement: GMPPB is on the minus strand). VCF-style: chr3-49722053-C-G. GRCh37 (hg19) VCF-style: chr3-49759486-C-G.
Other names: c.863G>C, p.Arg288Pro (NM_013334.4); short protein forms R288P.
Identifiers: ClinVar variation 660239 (VCV000660239.6), dbSNP rs769346834, ClinGen allele CA352827252.
Genomic context (GRCh38, chr3:49,722,053, plus strand): 5'-ACAATGCAGGACTCAAGCCAGGAATGGGAACGGATCCGGGCATCCCGCAGCACCGTGCAC[C>G]GCCGGATACACACACCATCTTCGACCACCACGCCAGGTCCCAGGCTCACATTGGGGCCAA-3'
Protein context (NP_068806.2, residues 278-298): VVVEDGVCIR[Arg288Pro]CTVLRDARIR

ClinVar aggregate classification (germline): Uncertain significance (1 of 4 stars; one submission).

Conditions:
Muscular dystrophy-dystroglycanopathy (congenital with brain and eye anomalies), type A14. Also called: Congenital Muscular Dystrophy-Dystroglycanopathy with Brain and Eye Anomalies Type A 14; Congenital muscular dystrophy-dystroglycanopathy with brain and eye anomalies, type A14; Muscular dystrophy-dystroglycanopathy (congenital with brain and eye anomalies), type a, 14; WALKER-WARBURG SYNDROME OR MUSCLE-EYE-BRAIN DISEASE, GMPPB-RELATED. Identifiers: Orphanet 588, MedGen C3809216, MONDO:0014140, OMIM 615350.
Muscular dystrophy-dystroglycanopathy (congenital with impaired intellectual development), type B, 14. Also called: Congenital muscular dystrophy-dystroglycanopathy with mental retardation, type B14; MUSCULAR DYSTROPHY, CONGENITAL, GMPPB-RELATED; Muscular dystrophy-dystroglycanopathy (congenital with intellectual disability), type B14. Identifiers: MedGen C3809221, MONDO:0014141, OMIM 615351.
Autosomal recessive limb-girdle muscular dystrophy type 2T. Also called: Limb-girdle muscular dystrophy-dystroglycanopathy, type C14; MUSCULAR DYSTROPHY-DYSTROGLYCANOPATHY, LIMB-GIRDLE, GMPPB-RELATED; MUSCULAR DYSTROPHY, LIMB-GIRDLE, TYPE 2T; Muscular dystrophy-dystroglycanopathy (limb-girdle), type c, 14. Identifiers: Orphanet 363623, MedGen C4518000, MONDO:0014142, OMIM 615352.

Submission:

Labcorp Genetics (formerly Invitae), Labcorp
Classification: Uncertain significance for Autosomal recessive limb-girdle muscular dystrophy type 2T; Muscular dystrophy-dystroglycanopathy (congenital with brain and eye anomalies), type A14; Muscular dystrophy-dystroglycanopathy (congenital with impaired intellectual development), type B, 14. Last evaluated: 2022-07-06. Review status: criteria provided, single submitter. Criteria: Invitae Variant Classification Sherloc (09022015). Collection method: clinical testing. Allele origin: germline.
Comment: In summary, the available evidence is currently insufficient to determine the role of this variant in disease. Therefore, it has been classified as a Variant of Uncertain Significance. This variant disrupts the p.Arg288 amino acid residue in GMPPB. Other variant(s) that disrupt this residue have been determined to be pathogenic (PMID: 30257713; Invitae). This suggests that this residue is clinically significant, and that variants that disrupt this residue are likely to be disease-causing. Algorithms developed to predict the effect of missense changes on protein structure and function (SIFT, PolyPhen-2, Align-GVGD) all suggest that this variant is likely to be disruptive. ClinVar contains an entry for this variant (Variation ID: 660239). This variant has not been reported in the literature in individuals affected with GMPPB-related conditions. This variant is not present in population databases (gnomAD no frequency). This sequence change replaces arginine, which is basic and polar, with proline, which is neutral and non-polar, at codon 288 of the GMPPB protein (p.Arg288Pro).

Literature cited by the submitters: PubMed 30257713.